The following is an entry in ClinVar:

ClinVar aggregate classification (germline): Uncertain significance (1 of 4 stars; one submission).

Submission:

GeneDx
Classification: Uncertain significance. Last evaluated: 2017-04-25. Review status: criteria provided, single submitter. Criteria: GeneDx Variant Classification (06012015). Collection method: clinical testing. Allele origin: germline. Affected: yes.
Comment: The Q531P variant in the PIGQ gene has not been reported previously as a pathogenic variant, nor as a benign variant, to our knowledge. The Q531P variant is not observed in large population cohorts (Lek et al., 2016; 1000 Genomes Consortium et al., 2015; Exome Variant Server). The Q531P variant is a non-conservative amino acid substitution, which is likely to impact secondary protein structure as these residues differ in polarity, charge, size and/or other properties. This substitution occurs at a position that is conserved across species, but in silico analysis is inconsistent in its predictions as to whether or not the variant is damaging to the protein structure/function. We interpret Q531P as a variant of uncertain significance.

NM_004204.5(PIGQ):c.1592A>C (p.Gln531Pro)

Gene: PIGQ (phosphatidylinositol glycan anchor biosynthesis class Q; plus strand). Cytogenetic location: 16p13.3.
Variant type: single nucleotide variant.
Coding change: c.1592A>C on transcript NM_004204.5 (MANE Select); coding-DNA position 1592, A replaced by C.
Protein change: p.Gln531Pro; replaces glutamine 531 with proline.
Molecular consequence: missense variant. On other transcripts: intron variant (1).
Genome position (GRCh38, 1-based): chr16:582,308, A>C. VCF-style: chr16-582308-A-C. GRCh37 (hg19) VCF-style: chr16-632308-A-C.
Other names: c.1532-575A>C (NM_148920.4); short protein forms Q531P.
Identifiers: ClinVar variation 426220 (VCV000426220.2), dbSNP rs748309926, ClinGen allele CA394060742.